The following is an entry in ClinVar:

NM_004174.4(SLC9A3):c.489C>T (p.Tyr163=)

Gene: SLC9A3 (solute carrier family 9 member A3). Cytogenetic location: 5p15.33.
Variant type: single nucleotide variant.
Coding change: c.489C>T on transcript NM_004174.4 (MANE Select); coding-DNA position 489, C replaced by T.
Protein change: p.Tyr163=; no amino-acid change (tyrosine 163 retained).
Molecular consequence: synonymous variant.
Genome position (GRCh38, 1-based): chr5:491,794, G>A on the plus strand (C>T on the coding strand, the complement: SLC9A3 is on the minus strand). VCF-style: chr5-491794-G-A. GRCh37 (hg19) VCF-style: chr5-491909-G-A.
Other names: c.489C>T, p.Tyr163= (NM_001284351.3).
Identifiers: ClinVar variation 1615409 (VCV001615409.10), dbSNP rs373530964, ClinGen allele CA3176325.

ClinVar aggregate classification (germline): Likely benign. Review status: criteria provided, multiple submitters, no conflicts (2 of 4 stars). 2 submissions from 2 submitters: Likely benign (2). Last evaluated 2026-04-01.

Allele frequency attached by ClinVar (database versions not stated): gnomAD exomes 0.00002 and 0.00013; ExAC 0.00008; gnomAD 0.00008 and 0.00009; TOPMed 0.00010; ESP Exome Variant Server 0.00015.
gnomAD v4.1: 201 of 1,572,228 alleles (0.013%); highest among the groups gnomAD compares: Non-Finnish European, 0.016%; no homozygotes.

Submissions (2):

CeGaT Center for Human Genetics Tuebingen
Classification: Likely benign. Last evaluated: 2026-04-01. Review status: criteria provided, single submitter. Criteria: CeGaT Center For Human Genetics Tuebingen Variant Classification Criteria Version 2. Collection method: clinical testing. Allele origin: germline. Affected: yes. Observed: 1 variant allele.
Comment: SLC9A3: BP4, BP7

Labcorp Genetics (formerly Invitae), Labcorp
Classification: Likely benign. Last evaluated: 2025-12-20. Review status: criteria provided, single submitter. Criteria: Invitae Variant Classification Sherloc (09022015). Collection method: clinical testing. Allele origin: germline.